The following is an entry in ClinVar:

NM_000553.6(WRN):c.1067A>G (p.Lys356Arg)

Gene: WRN (WRN RecQ like helicase; plus strand). Cytogenetic location: 8p12.
Variant type: single nucleotide variant.
Coding change: c.1067A>G on transcript NM_000553.6 (MANE Select); coding-DNA position 1067, A replaced by G.
Protein change: p.Lys356Arg; replaces lysine 356 with arginine.
Molecular consequence: missense variant.
Genome position (GRCh38, 1-based): chr8:31,081,094, A>G. VCF-style: chr8-31081094-A-G. GRCh37 (hg19) VCF-style: chr8-30938610-A-G.
Other names: short protein forms K356R.
Identifiers: ClinVar variation 458375 (VCV000458375.11), dbSNP rs556227294, ClinGen allele CA4704244.

ClinVar aggregate classification (germline): Conflicting classifications of pathogenicity. Review status: criteria provided, conflicting classifications (1 of 4 stars). 2 submissions from 2 submitters: Uncertain significance (1); Likely benign (1). Last evaluated 2025-07-30.

Conditions:
Werner syndrome (WRN). Identifiers: Orphanet 902, MedGen C0043119, MONDO:0010196, OMIM 277700.

Allele frequency attached by ClinVar (database versions not stated): ExAC 0.00002; gnomAD exomes 0.00004 and 0.00008; TOPMed 0.00022; 1000 Genomes Project 30x 0.00031; 1000 Genomes Project 0.00040; gnomAD 0.00023.
gnomAD v4.1: 60 of 1,614,104 alleles (0.0037%); highest among the groups gnomAD compares: Admixed American, 0.1%; no homozygotes.

Submissions (2):

Labcorp Genetics (formerly Invitae), Labcorp
Classification: Uncertain significance for Werner syndrome. Last evaluated: 2025-07-30. Review status: criteria provided, single submitter. Criteria: Invitae Variant Classification Sherloc (09022015). Collection method: clinical testing. Allele origin: germline.
Comment: This sequence change replaces lysine, which is basic and polar, with arginine, which is basic and polar, at codon 356 of the WRN protein (p.Lys356Arg). This variant is present in population databases (rs556227294, gnomAD 0.05%). This variant has not been reported in the literature in individuals affected with WRN-related conditions. ClinVar contains an entry for this variant (Variation ID: 458375). An algorithm developed to predict the effect of missense changes on protein structure and function (PolyPhen-2) suggests that this variant is likely to be tolerated. In summary, the available evidence is currently insufficient to determine the role of this variant in disease. Therefore, it has been classified as a Variant of Uncertain Significance.

Dasa
Classification: Likely benign. Last evaluated: 2025-07-21. Review status: criteria provided, single submitter. Criteria: DASA Assertion Criteria. Collection method: clinical testing. Allele origin: germline.
Comment: NM_000553.6(WRN):c.1067A>G (p.Lys356Arg) is a missense variant that results in the substitution of lysine with arginine. The variant context is inconsistent with a known disease-causing mechanism. Computational prediction algorithms are consistent with a benign effect. Therefore, based on the currently available evidence, this variant is classified as likely benign.